The following is an entry in ClinVar:

NM_001042492.3(NF1):c.1505C>G (p.Ala502Gly)

Gene: NF1 (neurofibromin 1; plus strand). Cytogenetic location: 17q11.2.
Variant type: single nucleotide variant.
Coding change: c.1505C>G on transcript NM_001042492.3 (MANE Select); coding-DNA position 1505, C replaced by G.
Protein change: p.Ala502Gly; replaces alanine 502 with glycine.
Molecular consequence: missense variant.
Genome position (GRCh38, 1-based): chr17:31,214,563, C>G. VCF-style: chr17-31214563-C-G. GRCh37 (hg19) VCF-style: chr17-29541581-C-G.
Other names: c.1505C>G, p.Ala502Gly (NM_000267.4, NM_001128147.3); short protein forms A502G.
Identifiers: ClinVar variation 1774075 (VCV001774075.2), dbSNP rs2143960395, ClinGen allele CA399001661.

ClinVar aggregate classification (germline): Uncertain significance (1 of 4 stars; one submission).

Conditions:
Cardiovascular phenotype. Identifiers: MedGen CN230736.
Hereditary cancer-predisposing syndrome. Also called: Hereditary Cancer Syndrome; Hereditary neoplastic syndrome; Neoplastic Syndromes, Hereditary; Tumor predisposition. Identifiers: Orphanet 140162, MedGen C0027672, MeSH D009386, MONDO:0015356.

Submission:

Ambry Genetics
Classification: Uncertain significance for Cardiovascular phenotype; Hereditary cancer-predisposing syndrome. Last evaluated: 2022-02-28. Review status: criteria provided, single submitter. Criteria: Ambry Variant Classification Scheme 2023. Collection method: clinical testing. Allele origin: germline.
Comment: The p.A502G variant (also known as c.1505C>G), located in coding exon 13 of the NF1 gene, results from a C to G substitution at nucleotide position 1505. The alanine at codon 502 is replaced by glycine, an amino acid with similar properties. This amino acid position is highly conserved in available vertebrate species. In addition, this alteration is predicted to be tolerated by in silico analysis. Since supporting evidence is limited at this time, the clinical significance of this alteration remains unclear.